The following is an entry in ClinVar:

NM_001080421.3(UNC13A):c.784C>T (p.Arg262Cys)

Gene: UNC13A (unc-13 homolog A; minus strand). Cytogenetic location: 19p13.11.
Variant type: single nucleotide variant.
Coding change: c.784C>T on transcript NM_001080421.3 (MANE Select); coding-DNA position 784, C replaced by T.
Protein change: p.Arg262Cys; replaces arginine 262 with cysteine.
Molecular consequence: missense variant.
Genome position (GRCh38, 1-based): chr19:17,656,382, G>A on the plus strand (C>T on the coding strand, the complement: UNC13A is on the minus strand). VCF-style: chr19-17656382-G-A. GRCh37 (hg19) VCF-style: chr19-17767191-G-A.
Other names: c.784C>T, p.Arg262Cys (NM_001387021.1, NM_001387022.1, NM_001387023.1); short protein forms R262C.
Identifiers: ClinVar variation 4977278 (VCV004977278.1).
Genomic context (GRCh38, chr19:17,656,382, plus strand): 5'-GGTCGAAGTCCTCGCTCAGCTGAGAGCTTCCCTGGCTCAGCTCCCCGGAAGAGGCATAGC[G>A]GCTGCTACCCGTGGGGCTGTGGGGATGGAACAGGGTTCAGGGACTGGGGTACCGAGTCAC-3'
Protein context (NP_001073890.2, residues 252-272): PQALSPTGSS[Arg262Cys]YASSGELSQG

ClinVar aggregate classification (germline): Uncertain significance (1 of 4 stars; one submission).

Conditions:
UNC13A-related disorder. Also called: UNC13A-related condition.

Submission:

PreventionGenetics, part of Exact Sciences
Classification: Uncertain significance for UNC13A-related condition. Last evaluated: 2024-12-05. Review status: criteria provided, single submitter. Criteria: ACMG Guidelines, 2015. Collection method: clinical testing. Allele origin: germline.
Comment: The UNC13A c.784C>T variant is predicted to result in the amino acid substitution p.Arg262Cys. To our knowledge, this variant has not been reported in the literature. This variant is reported in 0.0086% of alleles in individuals of East Asian descent in gnomAD. At this time, the clinical significance of this variant is uncertain due to the absence of conclusive functional and genetic evidence.